The following is an entry in ClinVar:

ClinVar aggregate classification (germline): Benign. Review status: criteria provided, multiple submitters, no conflicts (2 of 4 stars). 3 submissions from 3 submitters: Benign (3). Last evaluated 2026-01-24.

Allele frequency attached by ClinVar (database versions not stated): 1000 Genomes Project 0.01058; gnomAD 0.01121 and 0.01039; ESP Exome Variant Server 0.01123; TOPMed 0.01172; 1000 Genomes Project 30x 0.01234; gnomAD exomes 0.00112 and 0.00293; ExAC 0.00345.
gnomAD v4.1: 3,279 of 1,614,178 alleles (0.2%); highest among the groups gnomAD compares: African/African-American, 3.7%; 55 homozygotes.

Submissions (3):

Labcorp Genetics (formerly Invitae), Labcorp
Classification: Benign. Last evaluated: 2026-01-24. Review status: criteria provided, single submitter. Criteria: Invitae Variant Classification Sherloc (09022015). Collection method: clinical testing. Allele origin: germline.

Mayo Clinic Laboratories, Mayo Clinic
Classification: Benign. Last evaluated: 2024-08-21. Review status: criteria provided, single submitter. Criteria: ACMG Guidelines, 2015. Collection method: clinical testing. Allele origin: germline. Observed: 2 variant alleles.
Comment: BS1, BS2, BP4

Breakthrough Genomics
Classification: Benign. Review status: criteria provided, single submitter. Criteria: ACMG Guidelines, 2015. Collection method: not provided. Allele origin: germline. Inheritance: Autosomal recessive inheritance. Affected: yes.

NM_005559.4(LAMA1):c.1675G>A (p.Val559Ile)

Gene: LAMA1 (laminin subunit alpha 1; minus strand). Cytogenetic location: 18p11.31.
Variant type: single nucleotide variant.
Coding change: c.1675G>A on transcript NM_005559.4 (MANE Select); coding-DNA position 1675, G replaced by A.
Protein change: p.Val559Ile; replaces valine 559 with isoleucine.
Molecular consequence: missense variant.
Genome position (GRCh38, 1-based): chr18:7,037,640, C>T on the plus strand (G>A on the coding strand, the complement: LAMA1 is on the minus strand). VCF-style: chr18-7037640-C-T. GRCh37 (hg19) VCF-style: chr18-7037639-C-T.
Other names: p.Val559Ile; short protein forms V559I.
Identifiers: ClinVar variation 778768 (VCV000778768.12), dbSNP rs16951079, ClinGen allele CA8882919.